The following is an entry in ClinVar:

ClinVar aggregate classification (germline): Uncertain significance (1 of 4 stars; one submission).

Conditions:
Oxoglutaricaciduria. Identifiers: Orphanet 31, MedGen C2752074, MONDO:0008759, OMIM 203740.

gnomAD v4.1: 2 of 1,614,122 alleles (0.00012%); highest among the groups gnomAD compares: African/African-American, 0.0013%; no homozygotes.

Submission:

Juno Genomics, Hangzhou Juno Genomics, Inc
Classification: Uncertain significance for Oxoglutaricaciduria. Review status: criteria provided, single submitter. Criteria: ACMG Guidelines, 2015. Collection method: clinical testing. Allele origin: germline.
Comment: Absent from controls (or at extremely low frequency if recessive) in Genome Aggregation Database.;Multiple lines of computational evidence support a deleterious effect on the gene or gene product.

NM_002541.4(OGDH):c.2057G>A (p.Arg686His)

Gene: OGDH (oxoglutarate dehydrogenase; plus strand). Cytogenetic location: 7p13.
Variant type: single nucleotide variant.
Coding change: c.2057G>A on transcript NM_002541.4 (MANE Select); coding-DNA position 2057, G replaced by A.
Protein change: p.Arg686His; replaces arginine 686 with histidine.
Molecular consequence: missense variant.
Genome position (GRCh38, 1-based): chr7:44,697,375, G>A. VCF-style: chr7-44697375-G-A. GRCh37 (hg19) VCF-style: chr7-44736974-G-A.
Other names: c.2045G>A, p.Arg682His (NM_001165036.2, NM_001439009.1); c.2090G>A, p.Arg697His (NM_001363523.2); c.2102G>A, p.Arg701His (NM_001439007.1); c.2057G>A, p.Arg686His (NM_001439008.1); short protein forms R682H, R686H, R697H, R701H.
Identifiers: ClinVar variation 5007213 (VCV005007213.2).
Genomic context (GRCh38, chr7:44,697,375, plus strand): 5'-GTATTTGCTTGTCAAGTCAGAGCTCCTAATTATTACCTCTGTTGTCCTGTCTCAGCCACC[G>A]CCACCATGTGCTCCATGACCAGAATGTGGACAAGAGAACCTGCATCCCCATGAACCATCT-3'
Protein context (NP_002532.2, residues 676-696): QDVERGTFSH[Arg686His]HHVLHDQNVD